The following is an entry in ClinVar:

ClinVar aggregate classification (germline): Uncertain significance (1 of 4 stars; one submission).

Conditions:
Cardiovascular phenotype. Identifiers: MedGen CN230736.

Allele frequency attached by ClinVar (database versions not stated): gnomAD exomes below 0.00001; TOPMed below 0.00001.
gnomAD v4.1: 2 of 1,612,966 alleles (0.00012%); highest among the groups gnomAD compares: Non-Finnish European, 0.00017%; no homozygotes.

Submission:

Ambry Genetics
Classification: Uncertain significance for Cardiovascular phenotype. Last evaluated: 2024-03-08. Review status: criteria provided, single submitter. Criteria: Ambry Variant Classification Scheme 2023. Collection method: clinical testing. Allele origin: germline.
Comment: The p.I115T variant (also known as c.344T>C), located in coding exon 3 of the ANKRD1 gene, results from a T to C substitution at nucleotide position 344. The isoleucine at codon 115 is replaced by threonine, an amino acid with similar properties. This amino acid position is conserved. In addition, this alteration is predicted to be tolerated by in silico analysis. Based on the available evidence, the clinical significance of this alteration remains unclear.

NM_014391.3(ANKRD1):c.344T>C (p.Ile115Thr)

Gene: ANKRD1 (ankyrin repeat domain 1; minus strand). Cytogenetic location: 10q23.31.
Variant type: single nucleotide variant.
Coding change: c.344T>C on transcript NM_014391.3 (MANE Select); coding-DNA position 344, T replaced by C.
Protein change: p.Ile115Thr; replaces isoleucine 115 with threonine.
Molecular consequence: missense variant.
Genome position (GRCh38, 1-based): chr10:90,919,132, A>G on the plus strand (T>C on the coding strand, the complement: ANKRD1 is on the minus strand). VCF-style: chr10-90919132-A-G. GRCh37 (hg19) VCF-style: chr10-92678889-A-G.
Other names: short protein forms I115T.
Identifiers: ClinVar variation 3226304 (VCV003226304.1), dbSNP rs886973409, ClinGen allele CA211424823.